The following is an entry in ClinVar:

ClinVar aggregate classification (germline): Uncertain significance (1 of 4 stars; one submission).

Conditions:
Charcot-Marie-Tooth disease type 2. Also called: Charcot-Marie-Tooth type 2. Identifiers: Orphanet 64746, MedGen C0270914, MONDO:0018993.

Allele frequency attached by ClinVar (database versions not stated): gnomAD exomes below 0.00001; TOPMed below 0.00001.
gnomAD v4.1: 1 of 1,614,180 alleles (0.000062%); highest among the groups gnomAD compares: African/African-American, 0.0013%; no homozygotes.

Submission:

Labcorp Genetics (formerly Invitae), Labcorp
Classification: Uncertain significance for Charcot-Marie-Tooth disease type 2. Last evaluated: 2023-01-30. Review status: criteria provided, single submitter. Criteria: Invitae Variant Classification Sherloc (09022015). Collection method: clinical testing. Allele origin: germline.
Comment: In summary, the available evidence is currently insufficient to determine the role of this variant in disease. Therefore, it has been classified as a Variant of Uncertain Significance. Advanced modeling of protein sequence and biophysical properties (such as structural, functional, and spatial information, amino acid conservation, physicochemical variation, residue mobility, and thermodynamic stability) performed at Invitae indicates that this missense variant is not expected to disrupt AARS protein function. This variant has not been reported in the literature in individuals affected with AARS-related conditions. This variant is not present in population databases (gnomAD no frequency). This sequence change replaces isoleucine, which is neutral and non-polar, with valine, which is neutral and non-polar, at codon 392 of the AARS protein (p.Ile392Val).

NM_001605.3(AARS1):c.1174A>G (p.Ile392Val)

Gene: AARS1 (alanyl-tRNA synthetase 1; minus strand). Cytogenetic location: 16q22.1.
Variant type: single nucleotide variant.
Coding change: c.1174A>G on transcript NM_001605.3 (MANE Select); coding-DNA position 1174, A replaced by G.
Protein change: p.Ile392Val; replaces isoleucine 392 with valine.
Molecular consequence: missense variant.
Genome position (GRCh38, 1-based): chr16:70,267,707, T>C on the plus strand (A>G on the coding strand, the complement: AARS1 is on the minus strand). VCF-style: chr16-70267707-T-C. GRCh37 (hg19) VCF-style: chr16-70301610-T-C.
Other names: short protein forms I392V.
Identifiers: ClinVar variation 2764462 (VCV002764462.3), dbSNP rs1960296268, ClinGen allele CA396563494.